The following is an entry in ClinVar:

ClinVar aggregate classification (germline): Conflicting classifications of pathogenicity. Review status: criteria provided, conflicting classifications (1 of 4 stars). 2 submissions from 2 submitters: Likely pathogenic (1); Uncertain significance (1). Last evaluated 2024-04-25.

Conditions:
Fetal akinesia deformation sequence 1 (FADS1). Also called: Fetal akinesia sequence; Pena-Shokeir syndrome type I. Identifiers: Orphanet 994, MedGen C1276035, MONDO:0100101, OMIM 208150, HP:0001989.
Congenital myasthenic syndrome 10. Also called: Myasthenia, limb-girdle, familial. Identifiers: Orphanet 590, MedGen C1850792, MONDO:0009690, OMIM 254300.

Submissions (2):

Labcorp Genetics (formerly Invitae), Labcorp
Classification: Uncertain significance for Congenital myasthenic syndrome 10; Fetal akinesia deformation sequence 1. Last evaluated: 2024-04-25. Review status: criteria provided, single submitter. Criteria: Invitae Variant Classification Sherloc (09022015). Collection method: clinical testing. Allele origin: germline.
Comment: This variant, c.612_625delinsGGACGGTTCTA, is a complex sequence change that results in the deletion of 5 and insertion of 4 amino acid(s) in the DOK7 protein (p.Pro205_Pro209delinsAspGlySerThr). This variant is present in population databases (rs767797759, gnomAD 0.003%). This variant has not been reported in the literature in individuals affected with DOK7-related conditions. ClinVar contains an entry for this variant (Variation ID: 434961) Experimental studies and prediction algorithms are not available or were not evaluated, and the functional significance of this variant is currently unknown. In summary, the available evidence is currently insufficient to determine the role of this variant in disease. Therefore, it has been classified as a Variant of Uncertain Significance.

Genetic Services Laboratory, University of Chicago
Classification: Likely pathogenic for Myasthenic syndrome, congenital, 10. Last evaluated: 2015-11-10. Review status: criteria provided, single submitter. Criteria: ACMG Guidelines, 2015. Collection method: clinical testing. Allele origin: germline. Affected: yes.

NM_173660.5(DOK7):c.612_625delinsGGACGGTTCTA (p.Pro205_Pro209delinsAspGlySerThr)

Gene: DOK7 (docking protein 7; plus strand). Cytogenetic location: 4p16.3.
Variant type: Indel.
Coding change: c.612_625delinsGGACGGTTCTA on transcript NM_173660.5 (MANE Select); coding-DNA positions 612 to 625, CCCCACCAAGGGCC replaced by GGACGGTTCTA.
Protein change: p.Pro205_Pro209delinsAspGlySerThr.
Molecular consequence: inframe indel. On other transcripts: 5 prime UTR variant (1).
Genome position (GRCh38, 1-based): chr4:3,485,618-3,485,631, CCCCACCAAGGGCC replaced by GGACGGTTCTA. VCF-style: chr4-3485618-CCCCACCAAGGGCC-GGACGGTTCTA. GRCh37 (hg19) VCF-style: chr4-3487345-CCCCACCAAGGGCC-GGACGGTTCTA.
Other names: c.601_614delinsGGACGGTTCTA, p.Pro201_Pro205delinsGlyArgPheTyr (NM_001164673.2); c.-319_-306delinsGGACGGTTCTA (NM_001256896.2); c.612_625delinsGGACGGTTCTA, p.Pro205_Pro209delinsAspGlySerThr (NM_001301071.2); c.180_193delinsGGACGGTTCTA, p.Pro61_Pro65delinsAspGlySerThr (NM_001363811.2).
Identifiers: ClinVar variation 434961 (VCV000434961.8), dbSNP rs1553847993, ClinGen allele CA645372747.